The following is an entry in ClinVar:

ClinVar aggregate classification (germline): Pathogenic. Review status: criteria provided, multiple submitters, no conflicts (2 of 4 stars). 4 submissions from 4 submitters: Pathogenic (3). 1 of the submissions does not count toward it. Last evaluated 2025-01-06.

Conditions:
OCLN-related disorder. Also called: OCLN-related condition.
Pseudo-TORCH syndrome 1 (PTORCH1). Identifiers: Orphanet 1229, MedGen C4552078, MONDO:0020789, OMIM 251290.

Allele frequency attached by ClinVar (database versions not stated): gnomAD exomes 0.00001 and 0.00004; gnomAD 0.00002 and 0.00003; TOPMed 0.00003; ExAC 0.00004; ESP Exome Variant Server 0.00008; 1000 Genomes Project 30x 0.00016; 1000 Genomes Project 0.00020.
gnomAD v4.1: 19 of 1,614,090 alleles (0.0012%); highest among the groups gnomAD compares: Admixed American, 0.013%; no homozygotes.

Submissions (4):

Labcorp Genetics (formerly Invitae), Labcorp
Classification: Pathogenic. Last evaluated: 2025-01-06. Review status: criteria provided, single submitter. Criteria: Invitae Variant Classification Sherloc (09022015). Collection method: clinical testing. Allele origin: germline.
Comment: This sequence change creates a premature translational stop signal (p.Arg36*) in the OCLN gene. It is expected to result in an absent or disrupted protein product. Loss-of-function variants in OCLN are known to be pathogenic (PMID: 20727516, 28179633). This variant is present in population databases (rs373915080, gnomAD 0.02%). This variant has not been reported in the literature in individuals affected with OCLN-related conditions. ClinVar contains an entry for this variant (Variation ID: 1029457). For these reasons, this variant has been classified as Pathogenic.

Revvity Omics, Revvity
Classification: Pathogenic for Pseudo-TORCH syndrome 1. Last evaluated: 2019-07-15. Review status: criteria provided, single submitter. Criteria: ACMG Guidelines, 2015. Collection method: clinical testing. Allele origin: germline.

Baylor Genetics
Classification: Pathogenic for Pseudo-TORCH syndrome 1. Last evaluated: 2019-04-11. Review status: criteria provided, single submitter. Criteria: ACMG Guidelines, 2015. Collection method: clinical testing. Allele origin: maternal. Affected: yes.
Comment: This variant was determined to be pathogenic according to ACMG Guidelines, 2015 [PMID:25741868].

PreventionGenetics, part of Exact Sciences
Classification: Likely pathogenic for OCLN-related condition. Last evaluated: 2024-09-16. Review status: no assertion criteria provided. Collection method: clinical testing. Allele origin: germline. Not counted in ClinVar's aggregate classification.
Comment: The OCLN c.106C>T variant is predicted to result in premature protein termination (p.Arg36*). To our knowledge, this variant has not been reported in the literature. This variant is reported in 0.018% of alleles in individuals of African descent in gnomAD. Nonsense variants in OCLN are expected to be pathogenic. This variant is interpreted as likely pathogenic.

Literature cited by the submitters: PubMed 20727516 (cited by Labcorp Genetics (formerly Invitae), Labcorp); PubMed 28179633 (cited by Labcorp Genetics (formerly Invitae), Labcorp).

NM_001205254.2(OCLN):c.106C>T (p.Arg36Ter)

Gene: OCLN (occludin; plus strand). Cytogenetic location: 5q13.2.
Variant type: single nucleotide variant.
Coding change: c.106C>T on transcript NM_001205254.2 (MANE Select); coding-DNA position 106, C replaced by T.
Protein change: p.Arg36Ter; replaces arginine 36 with a stop codon.
Molecular consequence: nonsense. On other transcripts: intron variant (1).
Genome position (GRCh38, 1-based): chr5:69,509,196, C>T. VCF-style: chr5-69509196-C-T. GRCh37 (hg19) VCF-style: chr5-68805023-C-T.
Other names: c.106C>T, p.Arg36Ter (NM_001410743.1, NM_001438048.1, NM_001438604.1 and 1 more transcripts); c.-24-4752C>T (NM_001205255.2); short protein forms R36*.
Identifiers: ClinVar variation 1029457 (VCV001029457.8), dbSNP rs373915080, ClinGen allele CA3294374.